The following is an entry in ClinVar:

NM_000075.4(CDK4):c.716C>G (p.Pro239Arg)

Genes: CDK4 (cyclin dependent kinase 4; minus strand), TSPAN31 (tetraspanin 31; plus strand). Cytogenetic location: 12q14.1.
Variant type: single nucleotide variant.
Coding change: c.716C>G on transcript NM_000075.4 (MANE Select); coding-DNA position 716, C replaced by G.
Protein change: p.Pro239Arg; replaces proline 239 with arginine.
Molecular consequence: missense variant. On other transcripts: 3 prime UTR variant (3).
Genome position (GRCh38, 1-based): chr12:57,749,285, G>C on the plus strand (C>G on the coding strand, the complement: CDK4 is on the minus strand). VCF-style: chr12-57749285-G-C. GRCh37 (hg19) VCF-style: chr12-58143068-G-C.
Other names: c.*1995G>C (NM_001330168.2, NM_001330169.2, NM_005981.5); short protein forms P239R.
Identifiers: ClinVar variation 4868612 (VCV004868612.1).

ClinVar aggregate classification (germline): Uncertain significance (1 of 4 stars; one submission).

Conditions:
Hereditary cancer-predisposing syndrome. Also called: Neoplastic Syndromes, Hereditary; Tumor predisposition; Hereditary Cancer Syndrome; Hereditary neoplastic syndrome. Identifiers: Orphanet 140162, MedGen C0027672, MeSH D009386, MONDO:0015356.

Submission:

Ambry Genetics
Classification: Uncertain significance for Hereditary cancer-predisposing syndrome. Last evaluated: 2026-06-03. Review status: criteria provided, single submitter. Criteria: Ambry Variant Classification Scheme 2023. Collection method: clinical testing. Allele origin: germline.
Comment: The p.P239R variant (also known as c.716C>G), located in coding exon 6 of the CDK4 gene, results from a C to G substitution at nucleotide position 716. The proline at codon 239 is replaced by arginine, an amino acid with dissimilar properties. This amino acid position is highly conserved in available vertebrate species. In addition, this alteration is predicted to be deleterious by in silico analysis. Based on the available evidence, the clinical significance of this variant remains unclear.